The following is an entry in ClinVar:

ClinVar aggregate classification (germline): Likely benign. Review status: criteria provided, multiple submitters, no conflicts (2 of 4 stars). 6 submissions from 6 submitters: Likely benign (5). 1 of the submissions does not count toward it. Last evaluated 2025-11-30.

Conditions:
Familial thoracic aortic aneurysm and aortic dissection (TAAD). Also called: Thoracic aortic aneurysms and dissections. Identifiers: Orphanet 91387, MedGen C4707243, MONDO:0019625.
Marfan syndrome (MFS). Also called: Marfan syndrome, classic; Marfan syndrome type 1; Marfan's syndrome; MARFAN SYNDROME, TYPE I; FBN1-Related Marfan Syndrome. Identifiers: Orphanet 284963, Orphanet 558, MedGen C0024796, MONDO:0007947, OMIM 154700.
FBN1-related disorder. Also called: FBN1-related disorders.

Allele frequency attached by ClinVar (database versions not stated): ExAC 0.00001; gnomAD exomes 0.00004 and 0.00002; gnomAD 0.00001; TOPMed 0.00001.
gnomAD v4.1: 62 of 1,614,070 alleles (0.0038%); highest among the groups gnomAD compares: Non-Finnish European, 0.0053%; no homozygotes.

Submissions (6):

Labcorp Genetics (formerly Invitae), Labcorp
Classification: Likely benign for Marfan syndrome; Familial thoracic aortic aneurysm and aortic dissection. Last evaluated: 2025-11-30. Review status: criteria provided, single submitter. Criteria: Invitae Variant Classification Sherloc (09022015). Collection method: clinical testing. Allele origin: germline.

All of Us Research Program, National Institutes of Health
Classification: Likely benign for Marfan syndrome. Last evaluated: 2024-02-05. Review status: criteria provided, single submitter. Criteria: ACMG Guidelines, 2015. Collection method: clinical testing. Allele origin: germline. Inheritance: Autosomal dominant inheritance. Observed: 13 variant alleles, 13 heterozygotes.
Comment: This study involves interpretation of variants in research participants for the purpose of population health screening. Participant phenotype was not available at the time of variant classification. Additional details can be found in publication PMID: 35346344, PMCID: PMC8962531

Ambry Genetics
Classification: Likely benign for Familial thoracic aortic aneurysm and aortic dissection. Last evaluated: 2022-08-27. Review status: criteria provided, single submitter. Criteria: Ambry Variant Classification Scheme 2023. Collection method: clinical testing. Allele origin: germline.

Color Diagnostics, LLC DBA Color Health
Classification: Likely benign for Familial thoracic aortic aneurysm and aortic dissection. Last evaluated: 2019-07-27. Review status: criteria provided, single submitter. Criteria: ACMG Guidelines, 2015. Collection method: clinical testing. Allele origin: germline.

GeneDx
Classification: Likely benign. Last evaluated: 2017-10-30. Review status: criteria provided, single submitter. Criteria: GeneDx Variant Classification (06012015). Collection method: clinical testing. Allele origin: germline. Affected: yes.
Comment: This variant is considered likely benign or benign based on one or more of the following criteria: it is a conservative change, it occurs at a poorly conserved position in the protein, it is predicted to be benign by multiple in silico algorithms, and/or has population frequency not consistent with disease.

PreventionGenetics, part of Exact Sciences
Classification: Likely benign for FBN1-related condition. Last evaluated: 2024-02-08. Review status: no assertion criteria provided. Collection method: clinical testing. Allele origin: germline. Not counted in ClinVar's aggregate classification.
Comment: This variant is classified as likely benign based on ACMG/AMP sequence variant interpretation guidelines (Richards et al. 2015 PMID: 25741868, with internal and published modifications).

NM_000138.5(FBN1):c.7929T>C (p.Ser2643=)

Gene: FBN1 (fibrillin 1; minus strand). Cytogenetic location: 15q21.1.
Variant type: single nucleotide variant.
Coding change: c.7929T>C on transcript NM_000138.5 (MANE Select); coding-DNA position 7929, T replaced by C.
Protein change: p.Ser2643=; no amino-acid change (serine 2643 retained).
Molecular consequence: synonymous variant.
Genome position (GRCh38, 1-based): chr15:48,415,658, A>G on the plus strand (T>C on the coding strand, the complement: FBN1 is on the minus strand). VCF-style: chr15-48415658-A-G. GRCh37 (hg19) VCF-style: chr15-48707855-A-G.
Identifiers: ClinVar variation 388484 (VCV000388484.16), dbSNP rs745524158, ClinGen allele CA059348.
Genomic context (GRCh38, chr15:48,415,658, plus strand): 5'-ACAGCCATAGCTGCAGGGGGCCTGCGCAGAGCCACATTCATTGATGTCTTGGCATCCTCC[A>G]CTGAACTGTTCATACTGGAAGCCGGCGGGACACATGCACTTGTAGCTCCCCAGGGTGTTG-3'
Protein context (NP_000129.3, residues 2633-2653): CPAGFQYEQF[Ser2643=]GGCQDINECG